The following is an entry in ClinVar:

ClinVar aggregate classification (germline): Uncertain significance (1 of 4 stars; one submission).

Allele frequency attached by ClinVar (database versions not stated): gnomAD exomes below 0.00001.
gnomAD v4.1: 1 of 1,591,302 alleles (0.000063%); highest among the groups gnomAD compares: Non-Finnish European, 0.000086%; no homozygotes.

Submission:

GeneDx
Classification: Uncertain significance. Last evaluated: 2019-12-10. Review status: criteria provided, single submitter. Criteria: GeneDx Variant Classification Process June 2021. Collection method: clinical testing. Allele origin: germline. Affected: yes.
Comment: Not observed in large population cohorts (Lek et al., 2016); In silico analysis, which includes protein predictors and evolutionary conservation, supports a deleterious effect; Has not been previously published as pathogenic or benign to our knowledge

NM_018896.5(CACNA1G):c.802C>T (p.Pro268Ser)

Gene: CACNA1G (calcium voltage-gated channel subunit alpha1 G; plus strand). Cytogenetic location: 17q21.33.
Variant type: single nucleotide variant.
Coding change: c.802C>T on transcript NM_018896.5 (MANE Select); coding-DNA position 802, C replaced by T.
Protein change: p.Pro268Ser; replaces proline 268 with serine.
Molecular consequence: missense variant. On other transcripts: non-coding transcript variant (5).
Genome position (GRCh38, 1-based): chr17:50,572,609, C>T. VCF-style: chr17-50572609-C-T. GRCh37 (hg19) VCF-style: chr17-48649970-C-T.
Other names: c.802C>T, p.Pro268Ser (NM_001256324.2, NM_001256325.2, NM_001256326.2 and 24 more transcripts); short protein forms P268S.
Identifiers: ClinVar variation 1311146 (VCV001311146.2), dbSNP rs2144759968, ClinGen allele CA400231428.